The following is an entry in ClinVar:

NM_005739.4(RASGRP1):c.830A>G (p.Lys277Arg)

Gene: RASGRP1 (RAS guanyl releasing protein 1; minus strand). Cytogenetic location: 15q14.
Variant type: single nucleotide variant.
Coding change: c.830A>G on transcript NM_005739.4 (MANE Select); coding-DNA position 830, A replaced by G.
Protein change: p.Lys277Arg; replaces lysine 277 with arginine.
Molecular consequence: missense variant.
Genome position (GRCh38, 1-based): chr15:38,512,802, T>C on the plus strand (A>G on the coding strand, the complement: RASGRP1 is on the minus strand). VCF-style: chr15-38512802-T-C. GRCh37 (hg19) VCF-style: chr15-38805003-T-C.
Other names: c.830A>G, p.Lys277Arg (NM_001128602.2, NM_001306086.2); short protein forms K277R.
Identifiers: ClinVar variation 1465696 (VCV001465696.6), dbSNP rs761190592, ClinGen allele CA7471034.

ClinVar aggregate classification (germline): Uncertain significance. Review status: criteria provided, multiple submitters, no conflicts (2 of 4 stars). 2 submissions from 2 submitters: Uncertain significance (2). Last evaluated 2024-05-23.

Allele frequency attached by ClinVar (database versions not stated): gnomAD 0.00002; gnomAD exomes 0.00002 and 0.00003; ExAC 0.00003; TOPMed 0.00003.
gnomAD v4.1: 47 of 1,613,628 alleles (0.0029%); highest among the groups gnomAD compares: Non-Finnish European, 0.0036%; no homozygotes.

Submissions (2):

Blueprint Genetics
Classification: Uncertain significance. Last evaluated: 2024-05-23. Review status: criteria provided, single submitter. Criteria: ACMG Guidelines, 2015. Collection method: clinical testing. Allele origin: germline.

Labcorp Genetics (formerly Invitae), Labcorp
Classification: Uncertain significance. Last evaluated: 2021-09-01. Review status: criteria provided, single submitter. Criteria: Invitae Variant Classification Sherloc (09022015). Collection method: clinical testing. Allele origin: germline.
Comment: This sequence change replaces lysine with arginine at codon 277 of the RASGRP1 protein (p.Lys277Arg). The lysine residue is highly conserved and there is a small physicochemical difference between lysine and arginine. This variant is present in population databases (rs761190592, ExAC 0.005%). This variant has not been reported in the literature in individuals affected with RASGRP1-related conditions. Algorithms developed to predict the effect of missense changes on protein structure and function (SIFT, PolyPhen-2, Align-GVGD) all suggest that this variant is likely to be disruptive. In summary, the available evidence is currently insufficient to determine the role of this variant in disease. Therefore, it has been classified as a Variant of Uncertain Significance.